The following is an entry in ClinVar:

NM_003906.5(MCM3AP):c.540C>G (p.His180Gln)

Gene: MCM3AP (minichromosome maintenance complex component 3 associated protein; minus strand). Cytogenetic location: 21q22.3.
Variant type: single nucleotide variant.
Coding change: c.540C>G on transcript NM_003906.5 (MANE Select); coding-DNA position 540, C replaced by G.
Protein change: p.His180Gln; replaces histidine 180 with glutamine.
Molecular consequence: missense variant.
Genome position (GRCh38, 1-based): chr21:46,284,747, G>C on the plus strand (C>G on the coding strand, the complement: MCM3AP is on the minus strand). VCF-style: chr21-46284747-G-C. GRCh37 (hg19) VCF-style: chr21-47704661-G-C.
Other names: short protein forms H180Q.
Identifiers: ClinVar variation 2101718 (VCV002101718.4), dbSNP rs2517439775, ClinGen allele CA410536387.

ClinVar aggregate classification (germline): Uncertain significance (1 of 4 stars; one submission).

Allele frequency attached by ClinVar (database versions not stated): gnomAD exomes below 0.00001.
gnomAD v4.1: 4 of 1,613,856 alleles (0.00025%); highest among the groups gnomAD compares: South Asian, 0.0044%; no homozygotes.

Submission:

Labcorp Genetics (formerly Invitae), Labcorp
Classification: Uncertain significance. Last evaluated: 2022-09-15. Review status: criteria provided, single submitter. Criteria: Invitae Variant Classification Sherloc (09022015). Collection method: clinical testing. Allele origin: germline.
Comment: In summary, the available evidence is currently insufficient to determine the role of this variant in disease. Therefore, it has been classified as a Variant of Uncertain Significance. Algorithms developed to predict the effect of missense changes on protein structure and function output the following: SIFT: "Tolerated"; PolyPhen-2: "Benign"; Align-GVGD: "Class C0". The glutamine amino acid residue is found in multiple mammalian species, which suggests that this missense change does not adversely affect protein function. This variant has not been reported in the literature in individuals affected with MCM3AP-related conditions. This variant is not present in population databases (gnomAD no frequency). This sequence change replaces histidine, which is basic and polar, with glutamine, which is neutral and polar, at codon 180 of the MCM3AP protein (p.His180Gln).